The following is an entry in ClinVar:

NM_001195263.2(PDZD7):c.2158G>T (p.Val720Leu)

Gene: PDZD7 (PDZ domain containing 7; minus strand). Cytogenetic location: 10q24.31.
Variant type: single nucleotide variant.
Coding change: c.2158G>T on transcript NM_001195263.2 (MANE Select); coding-DNA position 2158, G replaced by T.
Protein change: p.Val720Leu; replaces valine 720 with leucine.
Molecular consequence: missense variant.
Genome position (GRCh38, 1-based): chr10:101,010,731, C>A on the plus strand (G>T on the coding strand, the complement: PDZD7 is on the minus strand). VCF-style: chr10-101010731-C-A. GRCh37 (hg19) VCF-style: chr10-102770488-C-A.
Other names: short protein forms V720L.
Identifiers: ClinVar variation 1042905 (VCV001042905.8), dbSNP rs765787538, ClinGen allele CA378225070.
Genomic context (GRCh38, chr10:101,010,731, plus strand): 5'-GGGGTAGCTGGGGAGGGGGTGTGCAGGCAATTCGGAGGGGGGTGAAGGCATCTACTGGCA[C>A]GTCTTGTAGAGGGGGGATCCCTTTATGGGGGTGGCGAGGGGCAGAGGCACTTGGGGAGAC-3'
Protein context (NP_001182192.1, residues 710-730): PHKGIPPLQD[Val720Leu]PVDAFTPLRI

ClinVar aggregate classification (germline): Uncertain significance (1 of 4 stars; one submission).

Submission:

Labcorp Genetics (formerly Invitae), Labcorp
Classification: Uncertain significance. Last evaluated: 2022-07-06. Review status: criteria provided, single submitter. Criteria: Invitae Variant Classification Sherloc (09022015). Collection method: clinical testing. Allele origin: germline.
Comment: Algorithms developed to predict the effect of missense changes on protein structure and function are either unavailable or do not agree on the potential impact of this missense change (SIFT: "Deleterious"; PolyPhen-2: "Not Available"; Align-GVGD: "Class C0"). ClinVar contains an entry for this variant (Variation ID: 1042905). This variant has not been reported in the literature in individuals affected with PDZD7-related conditions. This variant is not present in population databases (gnomAD no frequency). This sequence change replaces valine, which is neutral and non-polar, with leucine, which is neutral and non-polar, at codon 720 of the PDZD7 protein (p.Val720Leu). In summary, the available evidence is currently insufficient to determine the role of this variant in disease. Therefore, it has been classified as a Variant of Uncertain Significance.